The following is an entry in ClinVar:

NM_005502.4(ABCA1):c.128G>A (p.Arg43Gln)

Gene: ABCA1 (ATP binding cassette subfamily A member 1; minus strand). Cytogenetic location: 9q31.1.
Variant type: single nucleotide variant.
Coding change: c.128G>A on transcript NM_005502.4 (MANE Select); coding-DNA position 128, G replaced by A.
Protein change: p.Arg43Gln; replaces arginine 43 with glutamine.
Molecular consequence: missense variant.
Genome position (GRCh38, 1-based): chr9:104,889,134, C>T on the plus strand (G>A on the coding strand, the complement: ABCA1 is on the minus strand). VCF-style: chr9-104889134-C-T. GRCh37 (hg19) VCF-style: chr9-107651415-C-T.
Other names: short protein forms R43Q.
Identifiers: ClinVar variation 2362431 (VCV002362431.3), dbSNP rs767261058, ClinGen allele CA5169485.
Genomic context (GRCh38, chr9:104,889,134, plus strand): 5'-GTCTCAGGCAACATCCACAGTTACTTACATTCATGTTGTTCATAGGGTGGGTAGCTCAGC[C>T]GAACAGAGATCAGGATCAGGAAGATAAATAGAGGCCAGGCCACTTCCAGCAGCAGCTGAC-3'
Protein context (NP_005493.2, residues 33-53): LFIFLILISV[Arg43Gln]LSYPPYEQHE

ClinVar aggregate classification (germline): Uncertain significance (1 of 4 stars; one submission).

Conditions:
Cardiovascular phenotype. Identifiers: MedGen CN230736.

Allele frequency attached by ClinVar (database versions not stated): gnomAD exomes 0.00001; ExAC 0.00002.

Submission:

Ambry Genetics
Classification: Uncertain significance for Cardiovascular phenotype. Last evaluated: 2025-06-10. Review status: criteria provided, single submitter. Criteria: Ambry Variant Classification Scheme 2023. Collection method: clinical testing. Allele origin: germline.
Comment: The p.R43Q variant (also known as c.128G>A), located in coding exon 2 of the ABCA1 gene, results from a G to A substitution at nucleotide position 128. The arginine at codon 43 is replaced by glutamine, an amino acid with highly similar properties. This amino acid position is conserved. In addition, this alteration is predicted to be deleterious by in silico analysis. Based on the available evidence, the clinical significance of this variant remains unclear.